The following is an entry in ClinVar:

NM_001429.4(EP300):c.6294A>G (p.Gln2098=)

Gene: EP300 (EP300 lysine acetyltransferase; plus strand). Cytogenetic location: 22q13.2.
Variant type: single nucleotide variant.
Coding change: c.6294A>G on transcript NM_001429.4 (MANE Select); coding-DNA position 6294, A replaced by G.
Protein change: p.Gln2098=; no amino-acid change (glutamine 2098 retained).
Molecular consequence: synonymous variant.
Genome position (GRCh38, 1-based): chr22:41,178,005, A>G. VCF-style: chr22-41178005-A-G. GRCh37 (hg19) VCF-style: chr22-41574009-A-G.
Other names: c.6216A>G, p.Gln2072= (NM_001362843.2); c.6294A>G (NM_001429.3).
Identifiers: ClinVar variation 2441235 (VCV002441235.5), dbSNP rs1190484549, ClinGen allele CA514794067.

ClinVar aggregate classification (germline): Uncertain significance. Review status: criteria provided, single submitter (1 of 4 stars). 2 submissions from 2 submitters: Uncertain significance (1). 1 of the submissions does not count toward it. Last evaluated 2022-12-13.

Conditions:
EP300-related disorder. Also called: EP300-related condition; EP300-related disorders.

Allele frequency attached by ClinVar (database versions not stated): gnomAD exomes 0.00001.

Submissions (2):

Revvity Omics, Revvity
Classification: Uncertain significance. Last evaluated: 2022-12-13. Review status: criteria provided, single submitter. Criteria: ACMG Guidelines, 2015. Collection method: clinical testing. Allele origin: germline.

PreventionGenetics, part of Exact Sciences
Classification: Likely benign for EP300-related condition. Last evaluated: 2023-11-11. Review status: no assertion criteria provided. Collection method: clinical testing. Allele origin: germline. Not counted in ClinVar's aggregate classification.
Comment: This variant is classified as likely benign based on ACMG/AMP sequence variant interpretation guidelines (Richards et al. 2015 PMID: 25741868, with internal and published modifications).